The following is an entry in ClinVar:

ClinVar aggregate classification (germline): Pathogenic (1 of 4 stars; one submission).

Submission:

Labcorp Genetics (formerly Invitae), Labcorp
Classification: Pathogenic. Last evaluated: 2023-05-20. Review status: criteria provided, single submitter. Criteria: Invitae Variant Classification Sherloc (09022015). Collection method: clinical testing. Allele origin: germline.
Comment: This sequence change creates a premature translational stop signal (p.Leu318Profs*6) in the TSHR gene. While this is not anticipated to result in nonsense mediated decay, it is expected to disrupt the last 447 amino acid(s) of the TSHR protein. This variant is not present in population databases (gnomAD no frequency). This variant has not been reported in the literature in individuals affected with TSHR-related conditions. This variant disrupts a region of the TSHR protein in which other variant(s) (p.Thr655Cysfs*2) have been determined to be pathogenic (PMID: 9589691, 12050212, 22049173). This suggests that this is a clinically significant region of the protein, and that variants that disrupt it are likely to be disease-causing. For these reasons, this variant has been classified as Pathogenic.

Literature cited by the submitters: PubMed 9589691; PubMed 12050212; PubMed 22049173.

NM_000369.5(TSHR):c.952_962del (p.Leu318fs)

Genes: TSHR (thyroid stimulating hormone receptor; plus strand), TSHR-AS1 (TSHR antisense RNA 1; minus strand). Cytogenetic location: 14q31.1.
Variant type: Deletion.
Coding change: c.952_962del on transcript NM_000369.5 (MANE Select); coding-DNA positions 952 to 962, 11 bases deleted (TTGAATAGCCC).
Protein change: p.Leu318fs; shifts the reading frame from leucine 318.
Molecular consequence: frameshift variant.
Genome position (GRCh38, 1-based): chr14:81,143,010-81,143,020, TTGAATAGCCC deleted; deleting any 11 consecutive bases within chr14:81,143,008-81,143,020 gives the same sequence; the c. name uses the placement nearest the transcript's 3' end. VCF-style (leftmost placement, unchanged base first): chr14-81143007-GCCTTGAATAGC-G. GRCh37 (hg19) VCF-style: chr14-81609351-GCCTTGAATAGC-G.
Other names: short protein forms L318fs.
Identifiers: ClinVar variation 2866057 (VCV002866057.3), dbSNP rs2503935384, ClinGen allele CA2739280041.